The following is an entry in ClinVar:

ClinVar aggregate classification (germline): Pathogenic (1 of 4 stars; one submission).

Submission:

GeneDx
Classification: Pathogenic. Last evaluated: 2026-02-02. Review status: criteria provided, single submitter. Criteria: GeneDx Variant Classification Process June 2021. Collection method: clinical testing. Allele origin: germline.
Comment: Nonsense variant predicted to result in protein truncation or nonsense mediated decay in a gene for which loss of function is a known mechanism of disease; Not observed at significant frequency in large population cohorts (gnomAD); This variant is associated with the following publications: (PMID: 34587683)

NM_001242896.3(DEPDC5):c.3817C>T (p.Gln1273Ter)

Gene: DEPDC5 (DEP domain containing 5, GATOR1 subcomplex subunit; plus strand). Cytogenetic location: 22q12.3.
Variant type: single nucleotide variant.
Coding change: c.3817C>T on transcript NM_001242896.3 (MANE Select); coding-DNA position 3817, C replaced by T.
Protein change: p.Gln1273Ter; replaces glutamine 1273 with a stop codon.
Molecular consequence: nonsense. On other transcripts: non-coding transcript variant (5).
Genome position (GRCh38, 1-based): chr22:31,879,536, C>T. VCF-style: chr22-31879536-C-T. GRCh37 (hg19) VCF-style: chr22-32275522-C-T.
Other names: c.3790C>T, p.Gln1264Ter (NM_001136029.4); c.3517C>T, p.Gln1173Ter (NM_001242897.2); c.3751C>T, p.Gln1251Ter (NM_001363852.2, NM_001364320.2); c.3583C>T, p.Gln1195Ter (NM_001363854.2, NM_001364319.2); c.3817C>T, p.Gln1273Ter (NM_001364318.2); c.3733C>T, p.Gln1245Ter (NM_001369901.1, NM_001369902.1); c.3724C>T, p.Gln1242Ter (NM_001369903.1, NM_014662.6); short protein forms Q1173*, Q1195*, Q1242*, Q1245*, Q1251*, Q1264*, Q1273*.
Identifiers: ClinVar variation 4975191 (VCV004975191.1).